The following is an entry in ClinVar:

NM_006343.3(MERTK):c.747A>G (p.Leu249=)

Gene: MERTK (MER proto-oncogene, tyrosine kinase; plus strand). Cytogenetic location: 2q13.
Variant type: single nucleotide variant.
Coding change: c.747A>G on transcript NM_006343.3 (MANE Select); coding-DNA position 747, A replaced by G.
Protein change: p.Leu249=; no amino-acid change (leucine 249 retained).
Molecular consequence: synonymous variant.
Genome position (GRCh38, 1-based): chr2:111,947,557, A>G. VCF-style: chr2-111947557-A-G. GRCh37 (hg19) VCF-style: chr2-112705134-A-G.
Other names: c.747A>G (NM_006343.2).
Identifiers: ClinVar variation 1522058 (VCV001522058.10), dbSNP rs775696574, ClinGen allele CA1831136.

ClinVar aggregate classification (germline): Likely benign. Review status: criteria provided, multiple submitters, no conflicts (2 of 4 stars). 3 submissions from 3 submitters: Likely benign (3). Last evaluated 2025-06-30.

Conditions:
MERTK-related disorder. Also called: MERTK-related condition.

Allele frequency attached by ClinVar (database versions not stated): TOPMed 0.00001; ExAC 0.00002; gnomAD exomes 0.00002 and 0.00004.
gnomAD v4.1: 50 of 1,614,064 alleles (0.0031%); highest among the groups gnomAD compares: Admixed American, 0.012%; no homozygotes.

Submissions (3):

PreventionGenetics, part of Exact Sciences
Classification: Likely benign for MERTK-related condition. Last evaluated: 2025-06-30. Review status: criteria provided, single submitter. Criteria: ACMG Guidelines, 2015. Collection method: clinical testing. Allele origin: germline.
Comment: This variant is classified as likely benign based on ACMG/AMP sequence variant interpretation guidelines (Richards et al. 2015 PMID: 25741868, with internal and published modifications).

Labcorp Genetics (formerly Invitae), Labcorp
Classification: Likely benign. Last evaluated: 2024-06-15. Review status: criteria provided, single submitter. Criteria: Invitae Variant Classification Sherloc (09022015). Collection method: clinical testing. Allele origin: germline.

Blueprint Genetics
Classification: Likely benign. Last evaluated: 2021-07-28. Review status: criteria provided, single submitter. Criteria: ACMG Guidelines, 2015. Collection method: clinical testing. Allele origin: germline.